The following is an entry in ClinVar:

ClinVar aggregate classification (germline): Pathogenic/Likely pathogenic. Review status: criteria provided, multiple submitters, no conflicts (2 of 4 stars). 2 submissions from 2 submitters: Pathogenic (1); Likely pathogenic (1). Last evaluated 2022-05-27.

Conditions:
Autosomal recessive inherited pseudoxanthoma elasticum (PXE). Identifiers: Orphanet 758, MedGen CN032334, MONDO:0009925, OMIM 264800.

Allele frequency attached by ClinVar (database versions not stated): gnomAD 0.00001; gnomAD exomes 0.00001; TOPMed 0.00002.
gnomAD v4.1: 5 of 1,613,934 alleles (0.00031%); highest among the groups gnomAD compares: Middle Eastern, 0.033%; no homozygotes.

Submissions (2):

Labcorp Genetics (formerly Invitae), Labcorp
Classification: Pathogenic. Last evaluated: 2022-05-27. Review status: criteria provided, single submitter. Criteria: Invitae Variant Classification Sherloc (09022015). Collection method: clinical testing. Allele origin: germline.
Comment: ClinVar contains an entry for this variant (Variation ID: 433211). This premature translational stop signal has been observed in individual(s) with pseudoxanthoma elasticum (PMID: 17617515). This variant is present in population databases (rs72653748, gnomAD no frequency). This sequence change creates a premature translational stop signal (p.Trp1241*) in the ABCC6 gene. It is expected to result in an absent or disrupted protein product. Loss-of-function variants in ABCC6 are known to be pathogenic (PMID: 11536079, 17617515). For these reasons, this variant has been classified as Pathogenic.

PXE International
Classification: Likely pathogenic for Autosomal recessive inherited pseudoxanthoma elasticum. Last evaluated: 2021-03-02. Review status: criteria provided, single submitter. Criteria: Submitter's publication. Collection method: research. Allele origin: germline. Inheritance: Autosomal recessive inheritance. Affected: yes. Observed: 2 variant alleles.

Literature cited by the submitters: PubMed 17617515 (cited by Labcorp Genetics (formerly Invitae), Labcorp); PubMed 11536079 (cited by Labcorp Genetics (formerly Invitae), Labcorp).

NM_001171.6(ABCC6):c.3722G>A (p.Trp1241Ter)

Gene: ABCC6 (ATP binding cassette subfamily C member 6; minus strand). Cytogenetic location: 16p13.11.
Variant type: single nucleotide variant.
Coding change: c.3722G>A on transcript NM_001171.6 (MANE Select); coding-DNA position 3722, G replaced by A.
Protein change: p.Trp1241Ter; replaces tryptophan 1241 with a stop codon.
Molecular consequence: nonsense. On other transcripts: non-coding transcript variant (1).
Genome position (GRCh38, 1-based): chr16:16,159,495, C>T on the plus strand (G>A on the coding strand, the complement: ABCC6 is on the minus strand). VCF-style: chr16-16159495-C-T. GRCh37 (hg19) VCF-style: chr16-16253352-C-T.
Other names: c.3380G>A, p.Trp1127Ter (NM_001351800.1); short protein forms W1241*, W1127*.
Identifiers: ClinVar variation 433211 (VCV000433211.7), dbSNP rs72653748, ClinGen allele CA278628730.